The following is an entry in ClinVar:

ClinVar aggregate classification (germline): Uncertain significance. Review status: criteria provided, multiple submitters, no conflicts (2 of 4 stars). 2 submissions from 2 submitters: Uncertain significance (2). Last evaluated 2022-07-19.

Conditions:
Cenani-Lenz syndactyly syndrome. Also called: SYNDACTYLY, TYPE VII; CENANI SYNDACTYLISM. Identifiers: Orphanet 3258, MedGen C1859309, MONDO:0008931, OMIM 212780.
Sclerosteosis 2 (SOST2). Identifiers: Orphanet 3152, MedGen C3280402, MONDO:0013679, OMIM 614305.
Congenital myasthenic syndrome 17. Identifiers: Orphanet 590, MedGen C4225377, MONDO:0014578, OMIM 616304.

Allele frequency attached by ClinVar (database versions not stated): gnomAD exomes below 0.00001; TOPMed below 0.00001.
gnomAD v4.1: 2 of 1,613,652 alleles (0.00012%); highest among the groups gnomAD compares: South Asian, 0.0011%; no homozygotes.

Submissions (2):

Labcorp Genetics (formerly Invitae), Labcorp
Classification: Uncertain significance for Cenani-Lenz syndactyly syndrome; Sclerosteosis 2; Congenital myasthenic syndrome 17. Last evaluated: 2022-07-19. Review status: criteria provided, single submitter. Criteria: Invitae Variant Classification Sherloc (09022015). Collection method: clinical testing. Allele origin: germline.
Comment: Variants that disrupt the consensus splice site are a relatively common cause of aberrant splicing (PMID: 17576681, 9536098). Algorithms developed to predict the effect of sequence changes on RNA splicing suggest that this variant is not likely to affect RNA splicing. ClinVar contains an entry for this variant (Variation ID: 1360320). This variant has not been reported in the literature in individuals affected with LRP4-related conditions. This variant is present in population databases (no rsID available, gnomAD 0.003%). This sequence change falls in intron 27 of the LRP4 gene. It does not directly change the encoded amino acid sequence of the LRP4 protein. It affects a nucleotide within the consensus splice site. In summary, the available evidence is currently insufficient to determine the role of this variant in disease. Therefore, it has been classified as a Variant of Uncertain Significance.

Fulgent Genetics
Classification: Uncertain significance for Cenani-Lenz syndactyly syndrome; Sclerosteosis 2; Congenital myasthenic syndrome 17. Last evaluated: 2022-01-04. Review status: criteria provided, single submitter. Criteria: ACMG Guidelines, 2015. Collection method: clinical testing. Allele origin: unknown.

Literature cited by the submitters: PubMed 17576681 (cited by Labcorp Genetics (formerly Invitae), Labcorp); PubMed 9536098 (cited by Labcorp Genetics (formerly Invitae), Labcorp).

NM_002334.4(LRP4):c.3925+3G>A

Gene: LRP4 (LDL receptor related protein 4; minus strand). Cytogenetic location: 11p11.2.
Variant type: single nucleotide variant.
Coding change: c.3925+3G>A on transcript NM_002334.4 (MANE Select); 3 bases into the intron after coding-DNA position 3925, G replaced by A.
Molecular consequence: intron variant.
Genome position (GRCh38, 1-based): chr11:46,875,453, C>T on the plus strand (G>A on the coding strand, the complement: LRP4 is on the minus strand). VCF-style: chr11-46875453-C-T. GRCh37 (hg19) VCF-style: chr11-46897004-C-T.
Identifiers: ClinVar variation 1360320 (VCV001360320.7), dbSNP rs1217353454, ClinGen allele CA599372847.